The following is an entry in ClinVar:

ClinVar aggregate classification (germline): Pathogenic. Review status: criteria provided, multiple submitters, no conflicts (2 of 4 stars). 3 submissions from 3 submitters: Pathogenic (3). Last evaluated 2025-08-29.

Conditions:
Hereditary cancer-predisposing syndrome. Also called: Tumor predisposition; Hereditary neoplastic syndrome; Neoplastic Syndromes, Hereditary; Hereditary Cancer Syndrome. Identifiers: Orphanet 140162, MedGen C0027672, MeSH D009386, MONDO:0015356.
Familial cancer of breast. Also called: hereditary breast carcinoma; Hereditary breast cancer; BREAST CANCER, FAMILIAL. Identifiers: Orphanet 227535, MedGen C0346153, MONDO:0016419, OMIM 114480. Disease mechanism: loss of function.

Submissions (3):

Ambry Genetics
Classification: Pathogenic for Hereditary cancer-predisposing syndrome. Last evaluated: 2025-08-29. Review status: criteria provided, single submitter. Criteria: Ambry Variant Classification Scheme 2023. Collection method: clinical testing. Allele origin: germline.
Comment: The c.995delT pathogenic mutation, located in coding exon 8 of the CHEK2 gene, results from a deletion of one nucleotide at nucleotide position 995, causing a translational frameshift with a predicted alternate stop codon (p.L332Pfs*17). This variant is considered to be rare based on population cohorts in the Genome Aggregation Database (gnomAD). This alteration is expected to result in loss of function by premature protein truncation or nonsense-mediated mRNA decay. As such, this alteration is interpreted as a disease-causing mutation.

Myriad Genetics, Inc.
Classification: Pathogenic for Familial cancer of breast. Last evaluated: 2025-02-26. Review status: criteria provided, single submitter. Criteria: Myriad Autosomal Dominant, Autosomal Recessive and X-Linked Classification Criteria (2023). Collection method: clinical testing. Allele origin: unknown.
Comment: This variant is considered pathogenic. This variant creates a frameshift predicted to result in premature protein truncation.

Labcorp Genetics (formerly Invitae), Labcorp
Classification: Pathogenic for Familial cancer of breast. Last evaluated: 2019-11-18. Review status: criteria provided, single submitter. Criteria: Invitae Variant Classification Sherloc (09022015). Collection method: clinical testing. Allele origin: germline.
Comment: This sequence change creates a premature translational stop signal (p.Leu332Profs*17) in the CHEK2 gene. It is expected to result in an absent or disrupted protein product. This variant is not present in population databases (ExAC no frequency). This variant has not been reported in the literature in individuals with CHEK2-related conditions. Loss-of-function variants in CHEK2 are known to be pathogenic (PMID: 21876083, 24713400). For these reasons, this variant has been classified as Pathogenic.

Literature cited by the submitters: PubMed 21876083 (cited by Labcorp Genetics (formerly Invitae), Labcorp); PubMed 24713400 (cited by Labcorp Genetics (formerly Invitae), Labcorp).

NM_007194.4(CHEK2):c.995del (p.Leu332fs)

Gene: CHEK2 (checkpoint kinase 2; minus strand). Cytogenetic location: 22q12.1.
Variant type: Deletion.
Coding change: c.995del on transcript NM_007194.4 (MANE Select); coding-DNA position 995, one base deleted (T; older notation c.995delT).
Protein change: p.Leu332fs; shifts the reading frame from leucine 332.
Molecular consequence: frameshift variant.
Genome position (GRCh38, 1-based): chr22:28,699,851, A deleted on the plus strand (T on the coding strand, the reverse complement: CHEK2 is on the minus strand). VCF-style (leftmost placement, unchanged base first): chr22-28699850-GA-G. GRCh37 (hg19) VCF-style: chr22-29095838-GA-G.
Other names: c.995delT (NM_007194.3); c.1124delT, p.Leu375Profs (NM_001005735.3); c.332delT, p.Leu111Profs (NM_001257387.3); c.794delT, p.Leu265Profs (NM_001349956.3); c.995delT, p.Leu332Profs (NM_145862.3); short protein forms L265fs, L332fs, L111fs, L375fs.
Identifiers: ClinVar variation 847638 (VCV000847638.10), dbSNP rs2052758032, ClinGen allele CA916083799.